The following is an entry in ClinVar:

ClinVar aggregate classification (germline): Uncertain significance. Review status: criteria provided, multiple submitters, no conflicts (2 of 4 stars). 3 submissions from 3 submitters: Uncertain significance (3). Last evaluated 2025-07-15.

Conditions:
Inborn genetic diseases. Identifiers: MedGen C0950123, MeSH D030342.
FLVCR2-related disorder. Also called: FLVCR2-related condition.

Allele frequency attached by ClinVar (database versions not stated): ExAC 0.00002; TOPMed 0.00002; gnomAD exomes 0.00003; gnomAD 0.00005.
gnomAD v4.1: 49 of 1,614,100 alleles (0.003%); highest among the groups gnomAD compares: Non-Finnish European, 0.0042%; no homozygotes.

Submissions (3):

PreventionGenetics, part of Exact Sciences
Classification: Uncertain significance for FLVCR2-related condition. Last evaluated: 2025-07-15. Review status: criteria provided, single submitter. Criteria: ACMG Guidelines, 2015. Collection method: clinical testing. Allele origin: germline.
Comment: The FLVCR2 c.244A>T variant is predicted to result in the amino acid substitution p.Arg82Trp. To our knowledge, this variant has not been reported in the literature. This variant is reported in 0.0085% of alleles in individuals of European (Non-Finnish) descent in gnomAD. At this time, the clinical significance of this variant is uncertain due to the absence of conclusive functional and genetic evidence.

Ambry Genetics
Classification: Uncertain significance for Inborn genetic diseases. Last evaluated: 2025-01-24. Review status: criteria provided, single submitter. Criteria: Ambry Variant Classification Scheme 2023. Collection method: clinical testing. Allele origin: germline.

Labcorp Genetics (formerly Invitae), Labcorp
Classification: Uncertain significance. Last evaluated: 2025-01-02. Review status: criteria provided, single submitter. Criteria: Invitae Variant Classification Sherloc (09022015). Collection method: clinical testing. Allele origin: germline.
Comment: This sequence change replaces arginine, which is basic and polar, with tryptophan, which is neutral and slightly polar, at codon 82 of the FLVCR2 protein (p.Arg82Trp). This variant is present in population databases (rs771197984, gnomAD 0.008%). This variant has not been reported in the literature in individuals affected with FLVCR2-related conditions. ClinVar contains an entry for this variant (Variation ID: 1900481). Invitae Evidence Modeling of protein sequence and biophysical properties (such as structural, functional, and spatial information, amino acid conservation, physicochemical variation, residue mobility, and thermodynamic stability) indicates that this missense variant is not expected to disrupt FLVCR2 protein function with a negative predictive value of 80%. In summary, the available evidence is currently insufficient to determine the role of this variant in disease. Therefore, it has been classified as a Variant of Uncertain Significance.

NM_017791.3(FLVCR2):c.244A>T (p.Arg82Trp)

Genes: FLVCR2 (FLVCR choline and putative heme transporter 2; plus strand), FLVCR2-AS1 (FLVCR2 antisense RNA 1; minus strand). Cytogenetic location: 14q24.3.
Variant type: single nucleotide variant.
Coding change: c.244A>T on transcript NM_017791.3 (MANE Select); coding-DNA position 244, A replaced by T.
Protein change: p.Arg82Trp; replaces arginine 82 with tryptophan.
Molecular consequence: missense variant. On other transcripts: non-coding transcript variant (1).
Genome position (GRCh38, 1-based): chr14:75,579,216, A>T. VCF-style: chr14-75579216-A-T. GRCh37 (hg19) VCF-style: chr14-76045559-A-T.
Other names: c.244A>T (NM_017791.2); short protein forms R82W.
Identifiers: ClinVar variation 1900481 (VCV001900481.6), dbSNP rs771197984, ClinGen allele CA7278176.